The following is an entry in ClinVar:

NM_000214.3(JAG1):c.1195G>A (p.Val399Met)

Gene: JAG1 (jagged canonical Notch ligand 1; minus strand). Cytogenetic location: 20p12.2.
Variant type: single nucleotide variant.
Coding change: c.1195G>A on transcript NM_000214.3 (MANE Select); coding-DNA position 1195, G replaced by A.
Protein change: p.Val399Met; replaces valine 399 with methionine.
Molecular consequence: missense variant.
Genome position (GRCh38, 1-based): chr20:10,650,286, C>T on the plus strand (G>A on the coding strand, the complement: JAG1 is on the minus strand). VCF-style: chr20-10650286-C-T. GRCh37 (hg19) VCF-style: chr20-10630934-C-T.
Other names: c.1195G>A, p.Val399Met (LRG_1191t1); short protein forms V399M.
Identifiers: ClinVar variation 255545 (VCV000255545.15), dbSNP rs181970528, ClinGen allele CA9764957.

ClinVar aggregate classification (germline): Conflicting classifications of pathogenicity. Review status: criteria provided, conflicting classifications (1 of 4 stars). 4 submissions from 4 submitters: Uncertain significance (1); Likely benign (3). Last evaluated 2025-04-22.

Conditions:
Alagille syndrome due to a JAG1 point mutation. Also called: JAG1-Related Alagille Syndrome; HEPATIC DUCTULAR HYPOPLASIA, SYNDROMATIC; Alagille Syndrome 1. Identifiers: Orphanet 261619, Orphanet 52, MedGen C1956125, MONDO:0016862, OMIM 118450.
Charcot-Marie-Tooth disease, axonal, Type 2HH. Also called: CHARCOT-MARIE-TOOTH NEUROPATHY, TYPE 2HH. Identifiers: MedGen C5562003, MONDO:0030458, OMIM 619574.
Tetralogy of Fallot (TOF). Identifiers: Orphanet 3303, MedGen C0039685, MONDO:0008542, OMIM 187500, HP:0001636.
Deafness, congenital heart defects, and posterior embryotoxon (DCHE). Identifiers: MedGen C1866053, MONDO:0060713, OMIM 617992.
Cardiovascular phenotype. Identifiers: MedGen CN230736.

Allele frequency attached by ClinVar (database versions not stated): gnomAD 0.00005; TOPMed 0.00007; ESP Exome Variant Server 0.00008.

Submissions (4):

Labcorp Genetics (formerly Invitae), Labcorp
Classification: Likely benign for Alagille syndrome due to a JAG1 point mutation. Last evaluated: 2025-04-22. Review status: criteria provided, single submitter. Criteria: Invitae Variant Classification Sherloc (09022015). Collection method: clinical testing. Allele origin: germline.

Ambry Genetics
Classification: Uncertain significance for Cardiovascular phenotype. Last evaluated: 2024-08-07. Review status: criteria provided, single submitter. Criteria: Ambry Variant Classification Scheme 2023. Collection method: clinical testing. Allele origin: germline.
Comment: The p.V399M variant (also known as c.1195G>A), located in coding exon 9 of the JAG1 gene, results from a G to A substitution at nucleotide position 1195. The valine at codon 399 is replaced by methionine, an amino acid with highly similar properties. This amino acid position is conserved. In addition, this alteration is predicted to be tolerated by in silico analysis. Since supporting evidence is limited at this time, the clinical significance of this alteration remains unclear.

Fulgent Genetics
Classification: Likely benign for Alagille syndrome due to a JAG1 point mutation; Tetralogy of Fallot; Deafness, congenital heart defects, and posterior embryotoxon; Charcot-Marie-Tooth disease, axonal, Type 2HH. Last evaluated: 2024-06-24. Review status: criteria provided, single submitter. Criteria: ACMG Guidelines, 2015. Collection method: clinical testing. Allele origin: germline.

PreventionGenetics, part of Exact Sciences
Classification: Likely benign. Review status: criteria provided, single submitter. Criteria: ACMG Guidelines, 2015. Collection method: clinical testing. Allele origin: germline.